The following is an entry in ClinVar:

ClinVar aggregate classification (germline): Uncertain significance (1 of 4 stars; one submission).

Conditions:
Tuberous sclerosis 2 (TSC2). Identifiers: Orphanet 805, MedGen C1860707, MONDO:0013199, OMIM 613254.

Allele frequency attached by ClinVar (database versions not stated): gnomAD exomes below 0.00001.
gnomAD v4.1: 1 of 1,611,566 alleles (0.000062%); highest among the groups gnomAD compares: African/African-American, 0.0013%; no homozygotes.

Submission:

Labcorp Genetics (formerly Invitae), Labcorp
Classification: Uncertain significance for Tuberous sclerosis 2. Last evaluated: 2020-04-24. Review status: criteria provided, single submitter. Criteria: Invitae Variant Classification Sherloc (09022015). Collection method: clinical testing. Allele origin: germline.
Comment: In summary, the available evidence is currently insufficient to determine the role of this variant in disease. Therefore, it has been classified as a Variant of Uncertain Significance. Algorithms developed to predict the effect of missense changes on protein structure and function (SIFT, PolyPhen-2, Align-GVGD) all suggest that this variant is likely to be tolerated, but these predictions have not been confirmed by published functional studies and their clinical significance is uncertain. This variant has not been reported in the literature in individuals with TSC2-related conditions. This variant is not present in population databases (ExAC no frequency). This sequence change replaces leucine with glutamine at codon 1324 of the TSC2 protein (p.Leu1324Gln). The leucine residue is moderately conserved and there is a moderate physicochemical difference between leucine and glutamine.

NM_000548.5(TSC2):c.3971T>A (p.Leu1324Gln)

Gene: TSC2 (TSC complex subunit 2; plus strand). Cytogenetic location: 16p13.3.
Variant type: single nucleotide variant.
Coding change: c.3971T>A on transcript NM_000548.5 (MANE Select); coding-DNA position 3971, T replaced by A.
Protein change: p.Leu1324Gln; replaces leucine 1324 with glutamine.
Molecular consequence: missense variant.
Genome position (GRCh38, 1-based): chr16:2,083,782, T>A. VCF-style: chr16-2083782-T-A. GRCh37 (hg19) VCF-style: chr16-2133783-T-A.
Other names: c.3770T>A, p.Leu1257Gln (NM_001077183.3); c.3902T>A, p.Leu1301Gln (NM_001114382.3); c.3662T>A, p.Leu1221Gln (NM_001318827.2); c.3626T>A, p.Leu1209Gln (NM_001318829.2); c.3239T>A, p.Leu1080Gln (NM_001318831.2); c.3803T>A, p.Leu1268Gln (NM_001318832.2); c.3773T>A, p.Leu1258Gln (NM_001363528.2); c.3839T>A, p.Leu1280Gln (NM_001370404.1); and 1 more; short protein forms L1281Q, L1301Q, L1209Q, L1257Q, L1268Q, L1324Q, L1280Q, L1080Q.
Identifiers: ClinVar variation 959895 (VCV000959895.9), dbSNP rs878854098, ClinGen allele CA394297543.